The following is an entry in ClinVar:

NM_000051.4(ATM):c.3154-5_3154-4insAA

Gene: ATM (ATM serine/threonine kinase; plus strand). Cytogenetic location: 11q22.3.
Variant type: Insertion.
Coding change: c.3154-5_3154-4insAA on transcript NM_000051.4 (MANE Select); 5 bases into the intron before coding-DNA position 3154 through 4 bases into the intron before coding-DNA position 3154, AA inserted.
Molecular consequence: intron variant.
Genome position: GRCh38 VCF-style: chr11-108272717-C-CAA. GRCh37 (hg19) VCF-style: chr11-108143444-C-CAA.
Other names: c.3154-5_3154-4insAA (NM_001351834.2).
Identifiers: ClinVar variation 629082 (VCV000629082.4), dbSNP rs1565428327, ClinGen allele CA913187694.

ClinVar aggregate classification (germline): Uncertain significance (1 of 4 stars; one submission).

Conditions:
Hereditary cancer-predisposing syndrome. Also called: Neoplastic Syndromes, Hereditary; Tumor predisposition; Hereditary neoplastic syndrome; Hereditary Cancer Syndrome. Identifiers: Orphanet 140162, MedGen C0027672, MeSH D009386, MONDO:0015356.

Submission:

Color Diagnostics, LLC DBA Color Health
Classification: Uncertain significance for Hereditary cancer-predisposing syndrome. Last evaluated: 2022-08-30. Review status: criteria provided, single submitter. Criteria: ACMG Guidelines, 2015. Collection method: clinical testing. Allele origin: germline.
Comment: This variant causes an insertion of two nucleotides in intron 21 splice acceptor site of the ATM gene. Splice site prediction tools predict that this variant may impact RNA splicing. This prediction has not been confirmed in published RNA studies. This variant has not been reported in individuals affected with hereditary cancer in the literature. This variant has not been identified in the general population by the Genome Aggregation Database (gnomAD). The available evidence is insufficient to determine the role of this variant in disease conclusively. Therefore, this variant is classified as a Variant of Uncertain Significance.